The following is an entry in ClinVar:

NM_016120.4(RLIM):c.1113G>T (p.Glu371Asp)

Gene: RLIM (ring finger protein, LIM domain interacting; minus strand). Cytogenetic location: Xq13.2.
Variant type: single nucleotide variant.
Coding change: c.1113G>T on transcript NM_016120.4 (MANE Select); coding-DNA position 1113, G replaced by T.
Protein change: p.Glu371Asp; replaces glutamic acid 371 with aspartic acid.
Molecular consequence: missense variant.
Genome position (GRCh38, 1-based): chrX:74,592,202, C>A on the plus strand (G>T on the coding strand, the complement: RLIM is on the minus strand). VCF-style: chrX-74592202-C-A. GRCh37 (hg19) VCF-style: chrX-73812037-C-A.
Other names: c.1113G>T, p.Glu371Asp (NM_183353.3); short protein forms E371D.
Identifiers: ClinVar variation 3370789 (VCV003370789.1).

ClinVar aggregate classification (germline): Uncertain significance (1 of 4 stars; one submission).

Submission:

GeneDx
Classification: Uncertain significance. Last evaluated: 2024-03-12. Review status: criteria provided, single submitter. Criteria: GeneDx Variant Classification Process June 2021. Collection method: clinical testing. Allele origin: germline. Affected: yes.
Comment: Not observed at significant frequency in large population cohorts (gnomAD); In silico analysis supports that this missense variant does not alter protein structure/function; Has not been previously published as pathogenic or benign to our knowledge